The following is an entry in ClinVar:

ClinVar aggregate classification (germline): Pathogenic (1 of 4 stars; one submission).

Submission:

Labcorp Genetics (formerly Invitae), Labcorp
Classification: Pathogenic. Last evaluated: 2023-02-21. Review status: criteria provided, single submitter. Criteria: Invitae Variant Classification Sherloc (09022015). Collection method: clinical testing. Allele origin: germline.
Comment: For these reasons, this variant has been classified as Pathogenic. This variant has not been reported in the literature in individuals affected with ITGA6-related conditions. This variant is not present in population databases (gnomAD no frequency). This sequence change creates a premature translational stop signal (p.Glu30*) in the ITGA6 gene. It is expected to result in an absent or disrupted protein product. Loss-of-function variants in ITGA6 are known to be pathogenic (PMID: 9158140, 9185503, 9804362, 27607025).

Literature cited by the submitters: PubMed 9158140; PubMed 9185503; PubMed 9804362; PubMed 27607025.

NM_000210.4(ITGA6):c.88G>T (p.Glu30Ter)

Gene: ITGA6 (integrin subunit alpha 6; plus strand). Cytogenetic location: 2q31.1.
Variant type: single nucleotide variant.
Coding change: c.88G>T on transcript NM_000210.4 (MANE Select); coding-DNA position 88, G replaced by T.
Protein change: p.Glu30Ter; replaces glutamic acid 30 with a stop codon.
Molecular consequence: nonsense. On other transcripts: intron variant (1).
Genome position (GRCh38, 1-based): chr2:172,427,876, G>T. VCF-style: chr2-172427876-G-T. GRCh37 (hg19) VCF-style: chr2-173292604-G-T.
Other names: c.88G>T, p.Glu30Ter (NM_001079818.3, NM_001365529.2, NM_001365530.2 and 1 more transcripts); c.-161+406G>T (NM_001316306.2); short protein forms E30*.
Identifiers: ClinVar variation 2839510 (VCV002839510.3), dbSNP rs2468165774, ClinGen allele CA349291339.